The following is an entry in ClinVar:

NM_000222.3(KIT):c.1054A>G (p.Asn352Asp)

Gene: KIT (KIT proto-oncogene, receptor tyrosine kinase; plus strand). Cytogenetic location: 4q12.
Variant type: single nucleotide variant.
Coding change: c.1054A>G on transcript NM_000222.3 (MANE Select); coding-DNA position 1054, A replaced by G.
Protein change: p.Asn352Asp; replaces asparagine 352 with aspartic acid.
Molecular consequence: missense variant.
Genome position (GRCh38, 1-based): chr4:54,707,226, A>G. VCF-style: chr4-54707226-A-G. GRCh37 (hg19) VCF-style: chr4-55573392-A-G.
Other names: c.1054A>G, p.Asn352Asp (NM_001093772.2, NM_001385285.1, NM_001385286.1); c.1057A>G, p.Asn353Asp (NM_001385284.1, NM_001385288.1, NM_001385290.1 and 1 more transcripts); short protein forms N352D, N353D.
Identifiers: ClinVar variation 2810066 (VCV002810066.3), dbSNP rs2475478977, ClinGen allele CA356901059.

ClinVar aggregate classification (germline): Uncertain significance (1 of 4 stars; one submission).

Conditions:
Gastrointestinal stromal tumor. Also called: Gastrointestinal stromal tumor, somatic; Gastrointestinal stroma tumor. Identifiers: Orphanet 44890, MedGen C0238198, MeSH D046152, MONDO:0011719, OMIM 606764, HP:0100723.

Submission:

Labcorp Genetics (formerly Invitae), Labcorp
Classification: Uncertain significance for Gastrointestinal stromal tumor. Last evaluated: 2023-01-07. Review status: criteria provided, single submitter. Criteria: Invitae Variant Classification Sherloc (09022015). Collection method: clinical testing. Allele origin: germline.
Comment: In summary, the available evidence is currently insufficient to determine the role of this variant in disease. Therefore, it has been classified as a Variant of Uncertain Significance. Algorithms developed to predict the effect of missense changes on protein structure and function are either unavailable or do not agree on the potential impact of this missense change (SIFT: "Tolerated"; PolyPhen-2: "Possibly Damaging"; Align-GVGD: "Class C0"). This variant has not been reported in the literature in individuals affected with KIT-related conditions. This variant is not present in population databases (gnomAD no frequency). This sequence change replaces asparagine, which is neutral and polar, with aspartic acid, which is acidic and polar, at codon 352 of the KIT protein (p.Asn352Asp).